The following is an entry in ClinVar:

NM_000059.4(BRCA2):c.1058C>T (p.Ser353Leu)

Gene: BRCA2 (BRCA2 DNA repair associated; plus strand). Cytogenetic location: 13q13.1.
Variant type: single nucleotide variant.
Coding change: c.1058C>T on transcript NM_000059.4 (MANE Select); coding-DNA position 1058, C replaced by T.
Protein change: p.Ser353Leu; replaces serine 353 with leucine.
Molecular consequence: missense variant.
Genome position (GRCh38, 1-based): chr13:32,332,536, C>T. VCF-style: chr13-32332536-C-T. GRCh37 (hg19) VCF-style: chr13-32906673-C-T.
Other names: short protein forms S353L.
Identifiers: ClinVar variation 627752 (VCV000627752.15), dbSNP rs769368098, ClinGen allele CA6940485.

ClinVar aggregate classification (germline): Conflicting classifications of pathogenicity. Review status: criteria provided, conflicting classifications (1 of 4 stars). 6 submissions from 6 submitters: Uncertain significance (5); Likely benign (1). Last evaluated 2026-01-04.

Conditions:
Hereditary cancer-predisposing syndrome. Also called: Tumor predisposition; Neoplastic Syndromes, Hereditary; Hereditary Cancer Syndrome; Hereditary neoplastic syndrome. Identifiers: Orphanet 140162, MedGen C0027672, MeSH D009386, MONDO:0015356.
Hereditary breast ovarian cancer syndrome. Also called: Hereditary breast and ovarian cancer; Hereditary breast and ovarian cancer syndrome; Breast and ovarian cancer; Hereditary breast and/or ovarian cancer syndrome; BRCA1- and BRCA2-Associated Hereditary Breast and Ovarian Cancer; Hereditary breast and ovarian cancer syndrome (HBOC). Identifiers: Orphanet 145, MedGen C0677776, MeSH D061325, MONDO:0003582. Disease mechanism: loss of function.

Allele frequency attached by ClinVar (database versions not stated): gnomAD exomes below 0.00001; ExAC 0.00001.

Submissions (6):

Labcorp Genetics (formerly Invitae), Labcorp
Classification: Uncertain significance for Hereditary breast ovarian cancer syndrome. Last evaluated: 2026-01-04. Review status: criteria provided, single submitter. Criteria: Invitae Variant Classification Sherloc (09022015). Collection method: clinical testing. Allele origin: germline.
Comment: This sequence change replaces serine, which is neutral and polar, with leucine, which is neutral and non-polar, at codon 353 of the BRCA2 protein (p.Ser353Leu). This variant is present in population databases (rs769368098, gnomAD 0.006%). This missense change has been observed in individual(s) with breast cancer, biliary tract, gastric cancer, esophageal cancer (PMID: 19656164, 31396961, 31608315, 36243179). ClinVar contains an entry for this variant (Variation ID: 627752). Invitae Evidence Modeling of protein sequence and biophysical properties (such as structural, functional, and spatial information, amino acid conservation, physicochemical variation, residue mobility, and thermodynamic stability) indicates that this missense variant is not expected to disrupt BRCA2 protein function with a negative predictive value of 95%. In summary, the available evidence is currently insufficient to determine the role of this variant in disease. Therefore, it has been classified as a Variant of Uncertain Significance.

Color Diagnostics, LLC DBA Color Health
Classification: Uncertain significance for Hereditary cancer-predisposing syndrome. Last evaluated: 2024-08-14. Review status: criteria provided, single submitter. Criteria: ACMG Guidelines, 2015. Collection method: clinical testing. Allele origin: germline.
Comment: This missense variant replaces serine with leucine at codon 353 of the BRCA2 protein. Computational prediction suggests that this variant may not impact protein structure and function. To our knowledge, functional studies have not been reported for this variant. This variant has been reported in one individual each affected with breast, prostate, gastric or pancreatic cancer (PMID: 19656164, 31214711, 31608315, 35171259) and 3 individuals affected with esophageal squamous cell carcinoma (PMID: 31396961). This variant has been reported in three breast, pancreatic and biliary tract cancer case-control studies in which this variant was absent in cancer cases and found in 4 to 5 unaffected control individuals in the Japanese population (PMID: 30287823, 32980694, 36243179). This variant also has been detected in a breast cancer case-control meta-analysis in 0/60466 cases and 3/53461 unaffected individuals (PMID: 33471991; Leiden Open Variation Database DB-ID BRCA2_006279). This variant has been identified in 1/248618 chromosomes in the general population by the Genome Aggregation Database (gnomAD). The available evidence is insufficient to determine the role of this variant in disease conclusively. Therefore, this variant is classified as a Variant of Uncertain Significance.

Blueprint Genetics
Classification: Uncertain significance. Last evaluated: 2024-01-23. Review status: criteria provided, single submitter. Criteria: ACMG Guidelines, 2015. Collection method: clinical testing. Allele origin: germline.

Women's Health and Genetics/Laboratory Corporation of America, LabCorp
Classification: Uncertain significance. Last evaluated: 2023-07-24. Review status: criteria provided, single submitter. Criteria: LabCorp Variant Classification Summary - May 2015. Collection method: clinical testing. Allele origin: germline.
Comment: Variant summary: BRCA2 c.1058C>T (p.Ser353Leu) results in a non-conservative amino acid change in the encoded protein sequence. Four of five in-silico tools predict a benign effect of the variant on protein function. The variant allele was found at a frequency of 1.8e-05 in 272349 control chromosomes (gnomAD) and at a frequency of 1.7e-04 in 23731 control chromosomes in the Japanese population (Momozawa_2018). The available data on variant occurrences in the general population are insufficient to allow any conclusion about variant significance. c.1058C>T has been reported in the literature in individuals affected with breast cancer, gastric cancer, esophageal squamous cell carcinoma, and acute pancreatitis without evidence of causality (e.g. Seong_2009, Ichikawa_2018, Ko_2020, Yin_2022). These report(s) do not provide unequivocal conclusions about association of the variant with Hereditary Breast And Ovarian Cancer Syndrome. To our knowledge, no experimental evidence demonstrating an impact on protein function has been reported. The following publications have been ascertained in the context of this evaluation (PMID: 31608315, 31396961, 30287823, 19656164, 35171259). Four submitters have cited clinical-significance assessments for this variant to ClinVar after 2014, classifying the variant as uncertain significance (n=3) or likely benign (n=1). Based on the evidence outlined above, the variant was classified as uncertain significance.

Ambry Genetics
Classification: Uncertain significance for Hereditary cancer-predisposing syndrome. Last evaluated: 2023-05-24. Review status: criteria provided, single submitter. Criteria: Ambry General Variant Classification Scheme_2022. Collection method: clinical testing. Allele origin: germline.
Comment: The p.S353L variant (also known as c.1058C>T), located in coding exon 9 of the BRCA2 gene, results from a C to T substitution at nucleotide position 1058. The serine at codon 353 is replaced by leucine, an amino acid with dissimilar properties. This alteration was identified in an individual diagnosed with breast cancer (Seong MW et al. Clin Genet, 2009 Aug;76:152-60). This alteration was also identified in an individual diagnosed with gastric cancer (Ichikawa H et al. JCO Precis Oncol, 2018 Jul;2:). This alteration was not observed in 7,051 unselected female breast cancer patients and was observed with an allele frequency of 0.00018 in 11,241 female controls of Japanese ancestry. In addition, it was not observed in unselected male breast cancer patients and was observed with an allele frequency of 0.0002 in 12,490 male controls of Japanese ancestry (Momozawa Y et al. Nat Commun, 2018 Oct;9:4083). This amino acid position is not well conserved in available vertebrate species. In addition, this alteration is predicted to be tolerated by in silico analysis. Since supporting evidence is limited at this time, the clinical significance of this alteration remains unclear.

University of Washington Department of Laboratory Medicine, University of Washington
Classification: Likely benign for Hereditary cancer-predisposing syndrome. Last evaluated: 2023-03-23. Review status: criteria provided, single submitter. Criteria: Dines et al. (Genet Med. 2020). Collection method: curation. Allele origin: germline.
Comment: Missense variant in a coldspot region where missense variants are very unlikely to be pathogenic (PMID:31911673).

BRCA2 exon 10 coldspot. Reclassification based on statistical prior probability.

Literature cited by the submitters: PubMed 19656164 (cited by 4 submitters); PubMed 31396961 (cited by 3 submitters); PubMed 31608315 (cited by 4 submitters); PubMed 36243179 (cited by Labcorp Genetics (formerly Invitae), Labcorp and Color Diagnostics, LLC DBA Color Health); PubMed 30287823 (cited by 3 submitters); PubMed 31214711 (cited by Color Diagnostics, LLC DBA Color Health); PubMed 32980694 (cited by Color Diagnostics, LLC DBA Color Health); PubMed 33471991 (cited by Color Diagnostics, LLC DBA Color Health); PubMed 35171259 (cited by Color Diagnostics, LLC DBA Color Health and Women's Health and Genetics/Laboratory Corporation of America, LabCorp).